The following is an entry in ClinVar:

NM_000257.4(MYH7):c.2636C>A (p.Ser879Tyr)

Genes: MYH7 (myosin heavy chain 7; minus strand), LOC126861898 (BRD4-independent group 4 enhancer GRCh37_chr14:23893609-23894808; plus strand). Cytogenetic location: 14q11.2.
Variant type: single nucleotide variant.
Coding change: c.2636C>A on transcript NM_000257.4 (MANE Select); coding-DNA position 2636, C replaced by A.
Protein change: p.Ser879Tyr; replaces serine 879 with tyrosine.
Molecular consequence: missense variant.
Genome position (GRCh38, 1-based): chr14:23,424,812, G>T on the plus strand (C>A on the coding strand, the complement: MYH7 is on the minus strand). VCF-style: chr14-23424812-G-T. GRCh37 (hg19) VCF-style: chr14-23894021-G-T.
Other names: short protein forms S879Y.
Identifiers: ClinVar variation 1403892 (VCV001403892.8), dbSNP rs145417343, ClinGen allele CA033534.
Genomic context (GRCh38, chr14:23,424,812, plus strand): 5'-TAGCCCAGGAGCCTCACCGCCTGCACTTGGAGCTGCAGGTCATTCTTCTCCTGCAGCAGG[G>T]ACACCATCTTCTCCTCCAGCTCCTTGCGGCGAGCCTCGGACTTCTCTAGCGCCTCTTTGA-3'
Protein context (NP_000248.2, residues 869-889): RRKELEEKMV[Ser879Tyr]LLQEKNDLQL

ClinVar aggregate classification (germline): Uncertain significance (1 of 4 stars; one submission).

Conditions:
Hypertrophic cardiomyopathy. Also called: HYPERTROPHIC MYOCARDIOPATHY. Identifiers: Orphanet 217569, MedGen C0007194, MeSH D002312, MONDO:0005045, HP:0001639.

Allele frequency attached by ClinVar (database versions not stated): gnomAD exomes 0.00001; ExAC 0.00002; ESP Exome Variant Server 0.00008.
gnomAD v4.1: 1 of 1,614,196 alleles (0.000062%); no homozygotes.

Submission:

Labcorp Genetics (formerly Invitae), Labcorp
Classification: Uncertain significance for Hypertrophic cardiomyopathy. Last evaluated: 2020-11-30. Review status: criteria provided, single submitter. Criteria: Invitae Variant Classification Sherloc (09022015). Collection method: clinical testing. Allele origin: germline.
Comment: This variant has not been reported in the literature in individuals with MYH7-related conditions. This variant is present in population databases (rs145417343, ExAC 0.01%). This sequence change replaces serine with tyrosine at codon 879 of the MYH7 protein (p.Ser879Tyr). The serine residue is highly conserved and there is a large physicochemical difference between serine and tyrosine. In summary, the available evidence is currently insufficient to determine the role of this variant in disease. Therefore, it has been classified as a Variant of Uncertain Significance. This variant is found within a region of MYH7 between codons 181 and 937 that contains the majority of the myosin head domain. Missense variants in this region have been shown to be significantly overrepresented in individuals with hypertrophic cardiomyopathy (PMID: 27532257). Algorithms developed to predict the effect of missense changes on protein structure and function (SIFT, PolyPhen-2, Align-GVGD) all suggest that this variant is likely to be disruptive, but these predictions have not been confirmed by published functional studies and their clinical significance is uncertain.

Literature cited by the submitters: PubMed 27532257.